The following is an entry in ClinVar:

NM_001243279.3(ACSF3):c.-194+84T>A

Gene: ACSF3 (acyl-CoA synthetase family member 3; plus strand). Cytogenetic location: 16q24.3.
Variant type: single nucleotide variant.
Coding change: c.-194+84T>A on transcript NM_001243279.3 (MANE Select); 84 bases into the intron after 194 bases upstream of the start codon, T replaced by A.
Molecular consequence: intron variant.
Genome position (GRCh38, 1-based): chr16:89,094,080, T>A. VCF-style: chr16-89094080-T-A. GRCh37 (hg19) VCF-style: chr16-89160488-T-A.
Other names: c.-21+84T>A (NM_001127214.4); c.-194+88T>A (NM_174917.5); c.-130+88T>A (NM_001284316.2).
Identifiers: ClinVar variation 1687680 (VCV001687680.3), dbSNP rs142287889, ClinGen allele CA14273648.

ClinVar aggregate classification (germline): Likely benign. Review status: criteria provided, multiple submitters, no conflicts (2 of 4 stars). 2 submissions from 2 submitters: Likely benign (2). Last evaluated 2021-11-24.

Allele frequency attached by ClinVar (database versions not stated): 1000 Genomes Project 30x 0.00843; TOPMed 0.00909; gnomAD 0.00917 and 0.00946; 1000 Genomes Project 0.00919; gnomAD exomes 0.01505.
gnomAD v4.1: 1,466 of 150,876 alleles (0.97%); highest among the groups gnomAD compares: South Asian, 2.7%; 16 homozygotes.

Submissions (2):

GeneDx
Classification: Likely benign. Last evaluated: 2021-11-24. Review status: criteria provided, single submitter. Criteria: GeneDx Variant Classification Process June 2021. Collection method: clinical testing. Allele origin: germline. Affected: yes.
Comment: See Variant Classification Assertion Criteria.

Breakthrough Genomics
Classification: Likely benign. Review status: criteria provided, single submitter. Criteria: ACMG Guidelines, 2015. Collection method: not provided. Allele origin: germline. Inheritance: Unknown mechanism. Affected: yes.